The following is an entry in ClinVar:

ClinVar aggregate classification (germline): Conflicting classifications of pathogenicity. Review status: criteria provided, conflicting classifications (1 of 4 stars). 5 submissions from 5 submitters: Uncertain significance (2); Benign (1); Likely benign (2). Last evaluated 2025-12-22.

Conditions:
Dilated cardiomyopathy 3B (CMD3B). Also called: CARDIOMYOPATHY, DILATED, X-LINKED; DMD-Associated Dilated Cardiomyopathy; CMD3B: DMD-Related Dilated Cardiomyopathy. Identifiers: Orphanet 154, MedGen C3668940, MONDO:0010542, OMIM 302045.
Duchenne muscular dystrophy (DMD). Also called: MUSCULAR DYSTROPHY, PSEUDOHYPERTROPHIC PROGRESSIVE, DUCHENNE TYPE; Duchenne Muscular Dystrophy (DMD). Identifiers: Orphanet 98896, MedGen C0013264, MONDO:0010679, OMIM 310200.

Allele frequency attached by ClinVar (database versions not stated): gnomAD 0.00003 and 0.00004; gnomAD exomes 0.00006 and 0.00015; TOPMed 0.00006; ExAC 0.00014.
gnomAD v4.1: 75 of 1,205,881 alleles (0.0062%); highest among the groups gnomAD compares: East Asian, 0.19%; 1 homozygote.

Submissions (5):

Labcorp Genetics (formerly Invitae), Labcorp
Classification: Benign for Duchenne muscular dystrophy. Last evaluated: 2025-12-22. Review status: criteria provided, single submitter. Criteria: Invitae Variant Classification Sherloc (09022015). Collection method: clinical testing. Allele origin: germline.

Blueprint Genetics
Classification: Likely benign. Last evaluated: 2021-11-04. Review status: criteria provided, single submitter. Criteria: ACMG Guidelines, 2015. Collection method: clinical testing. Allele origin: germline.

Revvity Omics, Revvity
Classification: Uncertain significance. Last evaluated: 2021-03-20. Review status: criteria provided, single submitter. Criteria: ACMG Guidelines, 2015. Collection method: clinical testing. Allele origin: germline.

Illumina Laboratory Services, Illumina
Classification: Uncertain significance for Dilated cardiomyopathy 3B. Last evaluated: 2018-01-12. Review status: criteria provided, single submitter. Criteria: ICSL Variant Classification Criteria 13 December 2019. Collection method: clinical testing. Allele origin: germline.

GeneDx
Classification: Likely benign. Last evaluated: 2016-05-26. Review status: criteria provided, single submitter. Criteria: GeneDx Variant Classification (06012015). Collection method: clinical testing. Allele origin: germline. Affected: yes.
Comment: This variant is considered likely benign or benign based on one or more of the following criteria: it is a conservative change, it occurs at a poorly conserved position in the protein, it is predicted to be benign by multiple in silico algorithms, and/or has population frequency not consistent with disease.

NM_004006.3(DMD):c.3921+12A>G

Gene: DMD (dystrophin; minus strand). Cytogenetic location: Xp21.1.
Variant type: single nucleotide variant.
Coding change: c.3921+12A>G on transcript NM_004006.3 (MANE Select); 12 bases into the intron after coding-DNA position 3921, A replaced by G.
Molecular consequence: intron variant.
Genome position (GRCh38, 1-based): chrX:32,441,168, T>C on the plus strand (A>G on the coding strand, the complement: DMD is on the minus strand). VCF-style: chrX-32441168-T-C. GRCh37 (hg19) VCF-style: chrX-32459285-T-C.
Other names: c.3897+12A>G (NM_000109.4); c.3909+12A>G (NM_004009.3); c.3552+12A>G (NM_004010.3).
Identifiers: ClinVar variation 368246 (VCV000368246.15), dbSNP rs760373690, ClinGen allele CA10379169.